The following is an entry in ClinVar:

ClinVar aggregate classification (germline): Uncertain significance (1 of 4 stars; one submission).

Submission:

GeneDx
Classification: Uncertain significance. Last evaluated: 2023-10-16. Review status: criteria provided, single submitter. Criteria: GeneDx Variant Classification Process June 2021. Collection method: clinical testing. Allele origin: germline. Affected: yes.
Comment: Not observed at significant frequency in large population cohorts (gnomAD); Has not been previously published as pathogenic or benign to our knowledge; Frameshift variant predicted to result in protein truncation or nonsense mediated decay in a gene for which loss-of-function is not a known mechanism of disease

NM_004958.4(MTOR):c.1717del (p.Leu573fs)

Gene: MTOR (mechanistic target of rapamycin kinase; minus strand). Cytogenetic location: 1p36.22.
Variant type: Deletion.
Coding change: c.1717del on transcript NM_004958.4 (MANE Select); coding-DNA position 1717, one base deleted (C; older notation c.1717delC).
Protein change: p.Leu573fs; shifts the reading frame from leucine 573.
Molecular consequence: frameshift variant.
Genome position (GRCh38, 1-based): chr1:11,240,372, G deleted on the plus strand (C on the coding strand, the reverse complement: MTOR is on the minus strand); the first of 3 consecutive G bases (chr1:11,240,372-11,240,374); deleting any one gives the same sequence. VCF-style (leftmost placement, unchanged base first): chr1-11240371-AG-A. GRCh37 (hg19) VCF-style: chr1-11300428-AG-A.
Other names: c.1717del, p.Leu573fs (NM_001386500.1); c.469del, p.Leu157fs (NM_001386501.1); c.1715delC, p.Leu573Serfs (NM_004958.3); short protein forms L157fs, L573fs.
Identifiers: ClinVar variation 3366043 (VCV003366043.1).
Genomic context (GRCh38, chr1:11,240,371, plus strand): 5'-TCAAAGCTGCCAAGCGTTCGGAGGGCAAGAGTGATGCTGCCCACATCGCTGGCCTCAGGG[AG>A]GGTCGTGAGGCCAGGAGAGGCCAGCTGATGGGCCAGGCCCTTGGGCATGCCTGGGTGGCG-3'